The following is an entry in ClinVar:

ClinVar aggregate classification (germline): Likely benign. Review status: criteria provided, single submitter (1 of 4 stars). 2 submissions from 1 submitter: Likely benign (2). Last evaluated 2018-01-12.

Conditions:
Charcot-Marie-Tooth disease type 4C (CMT4C). Also called: CHARCOT-MARIE-TOOTH DISEASE, DEMYELINATING, AUTOSOMAL RECESSIVE, TYPE 4C; CMT 4C; Charcot-Marie-Tooth Neuropathy Type 4C (CMT4C); CHARCOT-MARIE-TOOTH DISEASE, DEMYELINATING, TYPE 4C; SH3TC2-Related Hereditary Motor and Sensory Neuropathy. Identifiers: Orphanet 99949, MedGen C1866636, MONDO:0011113, OMIM 601596.
Susceptibility to mononeuropathy of the median nerve, mild. Also called: CARPAL TUNNEL SYNDROME, SUSCEPTIBILITY TO. Identifiers: MedGen C3150596, MONDO:0013237, OMIM 613353.

Allele frequency attached by ClinVar (database versions not stated): gnomAD 0.00072 and 0.00079; 1000 Genomes Project 30x 0.00078; TOPMed 0.00094; 1000 Genomes Project 0.00100; gnomAD exomes 0.00153.
gnomAD v4.1: 193 of 187,192 alleles (0.1%); highest among the groups gnomAD compares: Middle Eastern, 0.75%; 2 homozygotes.

Submissions (2):

Illumina Laboratory Services, Illumina
Classification: Likely benign for Charcot-Marie-Tooth disease type 4C. Last evaluated: 2018-01-12. Review status: criteria provided, single submitter. Criteria: ICSL Variant Classification Criteria 13 December 2019. Collection method: clinical testing. Allele origin: germline.
Comment: This variant was observed in the ICSL laboratory as part of a predisposition screen in an ostensibly healthy population. It had not been previously curated by ICSL or reported in the Human Gene Mutation Database (HGMD: prior to June 1st, 2018), and was therefore a candidate for classification through an automated scoring system. Utilizing variant allele frequency, disease prevalence and penetrance estimates, and inheritance mode, an automated score was calculated to assess if this variant is too frequent to cause the disease. Based on the score and internal cut-off values, a variant classified as likely benign is not then subjected to further curation. The score for this variant resulted in a classification of likely benign for this disease.

Illumina Laboratory Services, Illumina
Classification: Likely benign for Susceptibility to mononeuropathy of the median nerve, mild. Last evaluated: 2018-01-12. Review status: criteria provided, single submitter. Criteria: ICSL Variant Classification Criteria 13 December 2019. Collection method: clinical testing. Allele origin: germline.
Comment: the same text as in the submission from Illumina Laboratory Services, Illumina above.

NM_024577.4(SH3TC2):c.*711A>C

Gene: SH3TC2 (SH3 domain and tetratricopeptide repeats 2; minus strand). Cytogenetic location: 5q32.
Variant type: single nucleotide variant.
Coding change: c.*711A>C on transcript NM_024577.4 (MANE Select); 711 bases downstream of the stop codon, A replaced by C.
Molecular consequence: 3 prime UTR variant.
Genome position (GRCh38, 1-based): chr5:149,004,000, T>G on the plus strand (A>C on the coding strand, the complement: SH3TC2 is on the minus strand). VCF-style: chr5-149004000-T-G. GRCh37 (hg19) VCF-style: chr5-148383563-T-G.
Identifiers: ClinVar variation 351882 (VCV000351882.5), dbSNP rs567593663, ClinGen allele CA10619584.